The following is an entry in ClinVar:

ClinVar aggregate classification (germline): Likely benign (1 of 4 stars; one submission).

Conditions:
Familial colorectal cancer type X. Identifiers: Orphanet 440437, MedGen C3896578, MONDO:0018604.

Submission:

Myriad Genetics, Inc.
Classification: Likely benign for Familial colorectal cancer type X. Last evaluated: 2026-07-31. Review status: criteria provided, single submitter. Criteria: Myriad Autosomal Dominant, Autosomal Recessive and X-Linked Classification Criteria (2023). Collection method: clinical testing. Allele origin: unknown.
Comment: This variant is considered likely benign. This variant is intronic and is not expected to impact mRNA splicing.

NM_001023.4(RPS20):c.4-19_4-15delinsCTCAC

Gene: RPS20 (ribosomal protein S20; minus strand). Cytogenetic location: 8q12.1.
Variant type: Indel.
Coding change: c.4-19_4-15delinsCTCAC on transcript NM_001023.4 (MANE Select); 19 bases into the intron before coding-DNA position 4 through 15 bases into the intron before coding-DNA position 4, TTCAT replaced by CTCAC.
Molecular consequence: intron variant.
Genome position (GRCh38, 1-based): chr8:56,074,174-56,074,178, ATGAA replaced by GTGAG on the plus strand (TTCAT replaced by CTCAC on the coding strand, the reverse complement: RPS20 is on the minus strand). VCF-style: chr8-56074174-ATGAA-GTGAG. GRCh37 (hg19) VCF-style: chr8-56986733-ATGAA-GTGAG.
Other names: c.4-19_4-15delinsCTCAC (NM_001146227.3).
Identifiers: ClinVar variation 5042346 (VCV005042346.1).